The following is an entry in ClinVar:

ClinVar aggregate classification (germline): Conflicting classifications of pathogenicity. Review status: criteria provided, conflicting classifications (1 of 4 stars). 2 submissions from 2 submitters: Uncertain significance (1); Benign (1). Last evaluated 2026-02-22.

Allele frequency attached by ClinVar (database versions not stated): gnomAD exomes 0.00001; gnomAD 0.00001; TOPMed 0.00001.
gnomAD v4.1: 16 of 1,613,672 alleles (0.00099%); highest among the groups gnomAD compares: African/African-American, 0.0027%; no homozygotes.

Submissions (2):

GeneDx
Classification: Uncertain significance. Last evaluated: 2026-02-22. Review status: criteria provided, single submitter. Criteria: GeneDx Variant Classification Process June 2021. Collection method: clinical testing. Allele origin: germline.
Comment: Has not been previously published as pathogenic or benign to our knowledge; Not observed at significant frequency in large population cohorts (gnomAD); In silico analysis supports that this missense variant has a deleterious effect on protein structure/function

Labcorp Genetics (formerly Invitae), Labcorp
Classification: Benign. Last evaluated: 2025-11-17. Review status: criteria provided, single submitter. Criteria: Invitae Variant Classification Sherloc (09022015). Collection method: clinical testing. Allele origin: germline.

NM_080680.3(COL11A2):c.3545C>A (p.Pro1182Gln)

Gene: COL11A2 (collagen type XI alpha 2 chain; minus strand). Cytogenetic location: 6p21.32.
Variant type: single nucleotide variant.
Coding change: c.3545C>A on transcript NM_080680.3 (MANE Select); coding-DNA position 3545, C replaced by A.
Protein change: p.Pro1182Gln; replaces proline 1182 with glutamine.
Molecular consequence: missense variant.
Genome position (GRCh38, 1-based): chr6:33,170,363, G>T on the plus strand (C>A on the coding strand, the complement: COL11A2 is on the minus strand). VCF-style: chr6-33170363-G-T. GRCh37 (hg19) VCF-style: chr6-33138140-G-T.
Other names: c.3224C>A, p.Pro1075Gln (NM_080679.3); c.3287C>A, p.Pro1096Gln (NM_080681.3); short protein forms P1075Q, P1096Q, P1182Q.
Identifiers: ClinVar variation 1697979 (VCV001697979.11), dbSNP rs1411737210, ClinGen allele CA363629760.